The following is an entry in ClinVar:

NM_001364905.1(LRBA):c.6670C>T (p.Arg2224Trp)

Gene: LRBA (LPS responsive beige-like anchor protein; minus strand). Cytogenetic location: 4q31.3.
Variant type: single nucleotide variant.
Coding change: c.6670C>T on transcript NM_001364905.1 (MANE Select); coding-DNA position 6670, C replaced by T.
Protein change: p.Arg2224Trp; replaces arginine 2224 with tryptophan.
Molecular consequence: missense variant.
Genome position (GRCh38, 1-based): chr4:150,467,783, G>A on the plus strand (C>T on the coding strand, the complement: LRBA is on the minus strand). VCF-style: chr4-150467783-G-A. GRCh37 (hg19) VCF-style: chr4-151388935-G-A.
Other names: c.6670C>T, p.Arg2224Trp (NM_001199282.3, NM_001367550.1); c.6703C>T, p.Arg2235Trp (NM_006726.5); short protein forms R2224W, R2235W.
Identifiers: ClinVar variation 851950 (VCV000851950.6), dbSNP rs763175357, ClinGen allele CA3101846.

ClinVar aggregate classification (germline): Uncertain significance (1 of 4 stars; one submission).

Conditions:
Combined immunodeficiency due to LRBA deficiency. Also called: Common variable immunodeficiency 8, with autoimmunity. Identifiers: Orphanet 445018, MedGen C3553512, MONDO:0013863, OMIM 614700.

Allele frequency attached by ClinVar (database versions not stated): gnomAD exomes 0.00001 and 0.00004; ExAC 0.00002; gnomAD 0.00003; TOPMed 0.00005.
gnomAD v4.1: 23 of 1,411,154 alleles (0.0016%); highest among the groups gnomAD compares: African/African-American, 0.0071%; no homozygotes.

Submission:

Labcorp Genetics (formerly Invitae), Labcorp
Classification: Uncertain significance for Combined immunodeficiency due to LRBA deficiency. Last evaluated: 2025-10-21. Review status: criteria provided, single submitter. Criteria: Invitae Variant Classification Sherloc (09022015). Collection method: clinical testing. Allele origin: germline.
Comment: This sequence change replaces arginine, which is basic and polar, with tryptophan, which is neutral and slightly polar, at codon 2235 of the LRBA protein (p.Arg2235Trp). This variant is present in population databases (rs763175357, gnomAD 0.06%). This variant has not been reported in the literature in individuals affected with LRBA-related conditions. ClinVar contains an entry for this variant (Variation ID: 851950). An algorithm developed to predict the effect of missense changes on protein structure and function (PolyPhen-2) suggests that this variant is likely to be disruptive. In summary, the available evidence is currently insufficient to determine the role of this variant in disease. Therefore, it has been classified as a Variant of Uncertain Significance.